The following is an entry in ClinVar:

ClinVar aggregate classification (germline): Uncertain significance (1 of 4 stars; one submission).

Conditions:
Hereditary cancer-predisposing syndrome. Also called: Neoplastic Syndromes, Hereditary; Tumor predisposition; Hereditary neoplastic syndrome; Hereditary Cancer Syndrome. Identifiers: Orphanet 140162, MedGen C0027672, MeSH D009386, MONDO:0015356.

Submission:

Ambry Genetics
Classification: Uncertain significance for Hereditary cancer-predisposing syndrome. Last evaluated: 2026-07-07. Review status: criteria provided, single submitter. Criteria: Ambry Variant Classification Scheme 2023. Collection method: clinical testing. Allele origin: germline.
Comment: The p.H261P variant (also known as c.782A>C), located in coding exon 4 of the PALB2 gene, results from an A to C substitution at nucleotide position 782. The histidine at codon 261 is replaced by proline, an amino acid with similar properties. This amino acid position is conserved. In addition, this alteration is predicted to be tolerated by in silico analysis. Based on the available evidence, the clinical significance of this variant remains unclear.

NM_024675.4(PALB2):c.782A>C (p.His261Pro)

Gene: PALB2 (partner and localizer of BRCA2; minus strand). Cytogenetic location: 16p12.2.
Variant type: single nucleotide variant.
Coding change: c.782A>C on transcript NM_024675.4 (MANE Select); coding-DNA position 782, A replaced by C.
Protein change: p.His261Pro; replaces histidine 261 with proline.
Molecular consequence: missense variant. On other transcripts: 5 prime UTR variant (8), intron variant (3).
Genome position (GRCh38, 1-based): chr16:23,635,764, T>G on the plus strand (A>C on the coding strand, the complement: PALB2 is on the minus strand). VCF-style: chr16-23635764-T-G. GRCh37 (hg19) VCF-style: chr16-23647085-T-G.
Other names: c.722A>C, p.His241Pro (NM_001407296.1); c.782A>C, p.His261Pro (NM_001407297.1, NM_001407298.1, NM_001407299.1 and 3 more transcripts); c.-104A>C (NM_001407304.1, NM_001407305.1, NM_001407306.1 and 5 more transcripts); c.48+5346A>C (NM_001407314.1); c.-104-5295A>C (NM_001407313.1, NM_001407312.1); short protein forms H241P, H261P.
Identifiers: ClinVar variation 5026171 (VCV005026171.1).